The following is an entry in ClinVar:

ClinVar aggregate classification (germline): Uncertain significance (1 of 4 stars; one submission).

Conditions:
PLXNA3-related disorder. Also called: PLXNA3-related condition.

Submission:

PreventionGenetics, part of Exact Sciences
Classification: Uncertain significance for PLXNA3-related condition. Last evaluated: 2025-04-15. Review status: criteria provided, single submitter. Criteria: ACMG Guidelines, 2015. Collection method: clinical testing. Allele origin: germline.
Comment: The PLXNA3 c.4916A>G variant is predicted to result in the amino acid substitution p.Asp1639Gly. To our knowledge, this variant has not been reported in the literature or in a large population database (gnomAD), indicating this variant is rare. At this time, the clinical significance of this variant is uncertain due to the absence of conclusive functional and genetic evidence.

NM_017514.5(PLXNA3):c.4916A>G (p.Asp1639Gly)

Gene: PLXNA3 (plexin A3; plus strand). Cytogenetic location: Xq28.
Variant type: single nucleotide variant.
Coding change: c.4916A>G on transcript NM_017514.5 (MANE Select); coding-DNA position 4916, A replaced by G.
Protein change: p.Asp1639Gly; replaces aspartic acid 1639 with glycine.
Molecular consequence: missense variant.
Genome position (GRCh38, 1-based): chrX:154,470,097, A>G. VCF-style: chrX-154470097-A-G. GRCh37 (hg19) VCF-style: chrX-153698440-A-G.
Other names: short protein forms D1639G.
Identifiers: ClinVar variation 5002537 (VCV005002537.1).
Genomic context (GRCh38, chrX:154,470,097, plus strand): 5'-CGCCTGACCAGGAGACAGGCACCAAATTGTGGCACCTGGTGAAAAACCACGACCATGCCG[A>G]CCATCGCGAGGGGGACCGTGGCAGCAAGATGGTCTCCGAGATCTACCTGACACGGCTGCT-3'
Protein context (NP_059984.3, residues 1629-1649): WHLVKNHDHA[Asp1639Gly]HREGDRGSKM